The following is an entry in ClinVar:

ClinVar aggregate classification (germline): Likely pathogenic (1 of 4 stars; one submission).

Conditions:
Tay-Sachs disease (TSD). Also called: GM2 gangliosidosis, type 1; Hexosaminidase alpha-subunit deficiency (variant B); Sphingolipidosis, Tay-Sachs; Hexosaminidase A Deficiency; HEXA DEFICIENCY; HEXA Disorders. Identifiers: Orphanet 845, MedGen C0039373, MONDO:0010100, OMIM 272800.

Submission:

Myriad Genetics, Inc.
Classification: Likely pathogenic for Tay-Sachs disease. Last evaluated: 2022-03-05. Review status: criteria provided, single submitter. Criteria: Myriad Women's Health Autosomal Recessive and X-Linked Classification Criteria (2021). Collection method: clinical testing. Allele origin: unknown.
Comment: NM_000520.4(HEXA):c.814G>T(G272*) is expected to be pathogenic in the context of hexosaminidase A deficiency. This variant is predicted to lead to an abnormal or absent protein product due to the creation of a premature termination codon in HEXA, a gene where loss-of-function variants are known to be pathogenic. Please note: this variant was assessed in the context of healthy population screening.

NM_000520.6(HEXA):c.814G>T (p.Gly272Ter)

Gene: HEXA (hexosaminidase subunit alpha; minus strand). Cytogenetic location: 15q23.
Variant type: single nucleotide variant.
Coding change: c.814G>T on transcript NM_000520.6 (MANE Select); coding-DNA position 814, G replaced by T.
Protein change: p.Gly272Ter; replaces glycine 272 with a stop codon.
Molecular consequence: nonsense. On other transcripts: non-coding transcript variant (1).
Genome position (GRCh38, 1-based): chr15:72,349,251, C>A on the plus strand (G>T on the coding strand, the complement: HEXA is on the minus strand). VCF-style: chr15-72349251-C-A. GRCh37 (hg19) VCF-style: chr15-72641592-C-A.
Other names: c.847G>T, p.Gly283Ter (NM_001318825.2); short protein forms G272*, G283*.
Identifiers: ClinVar variation 1725034 (VCV001725034.2), dbSNP rs2542523154, ClinGen allele CA393062723.